The following is an entry in ClinVar:

ClinVar aggregate classification (germline): Uncertain significance (1 of 4 stars; one submission).

Conditions:
Joubert syndrome 8 (JBTS8). Identifiers: Orphanet 475, MedGen C2676771, MONDO:0012855, OMIM 612291.

gnomAD v4.1: 1 of 1,613,726 alleles (0.000062%); highest among the groups gnomAD compares: African/African-American, 0.0013%; no homozygotes.

Submission:

Labcorp Genetics (formerly Invitae), Labcorp
Classification: Uncertain significance for Joubert syndrome 8. Last evaluated: 2022-03-09. Review status: criteria provided, single submitter. Criteria: Invitae Variant Classification Sherloc (09022015). Collection method: clinical testing. Allele origin: germline.
Comment: This variant is not present in population databases (gnomAD no frequency). This sequence change replaces glutamic acid, which is acidic and polar, with valine, which is neutral and non-polar, at codon 102 of the ARL13B protein (p.Glu102Val). This variant has not been reported in the literature in individuals affected with ARL13B-related conditions. ClinVar contains an entry for this variant (Variation ID: 1045710). Algorithms developed to predict the effect of missense changes on protein structure and function are either unavailable or do not agree on the potential impact of this missense change (SIFT: "Deleterious"; PolyPhen-2: "Possibly Damaging"; Align-GVGD: "Class C0"). Algorithms developed to predict the effect of sequence changes on RNA splicing suggest that this variant may create or strengthen a splice site. In summary, the available evidence is currently insufficient to determine the role of this variant in disease. Therefore, it has been classified as a Variant of Uncertain Significance.

NM_001174150.2(ARL13B):c.305A>T (p.Glu102Val)

Gene: ARL13B (ARF like GTPase 13B; plus strand). Cytogenetic location: 3q11.2.
Variant type: single nucleotide variant.
Coding change: c.305A>T on transcript NM_001174150.2 (MANE Select); coding-DNA position 305, A replaced by T.
Protein change: p.Glu102Val; replaces glutamic acid 102 with valine.
Molecular consequence: missense variant. On other transcripts: 5 prime UTR variant (1), intron variant (1).
Genome position (GRCh38, 1-based): chr3:94,003,833, A>T. VCF-style: chr3-94003833-A-T. GRCh37 (hg19) VCF-style: chr3-93722677-A-T.
Other names: c.-5A>T (NM_001174151.2); c.260A>T, p.Glu87Val (NM_001321328.2); c.305A>T, p.Glu102Val (NM_182896.3); c.59+23351A>T (NM_144996.4); short protein forms E102V, E87V.
Identifiers: ClinVar variation 1045710 (VCV001045710.4), dbSNP rs1013644884, ClinGen allele CA78520118.
Genomic context (GRCh38, chr3:94,003,833, plus strand): 5'-GGAAGAATTACTATGCTGAATCCTATGGGGTAATATTTGTTGTGGATTCCAGTGATGAAG[A>T]GAGAATGGAAGAGACAAAAGAGGCTATGTCAGAAATGCTAAGACATCCTAGGATATCGGG-3'
Protein context (NP_001167621.1, residues 92-112): VIFVVDSSDE[Glu102Val]RMEETKEAMS